The following is an entry in ClinVar:

ClinVar aggregate classification (germline): Likely pathogenic (1 of 4 stars; one submission).

Conditions:
Neurodegeneration, infantile-onset, biotin-responsive. Also called: SODIUM-DEPENDENT MULTIVITAMIN TRANSPORTER DEFICIENCY; SMVT DEFICIENCY. Identifiers: Orphanet 521268, MedGen C5436520, MONDO:0033546, OMIM 618973.

Submission:

Illumina Laboratory Services, Illumina
Classification: Likely pathogenic for Neurodegeneration, infantile-onset, biotin-responsive. Last evaluated: 2023-08-02. Review status: criteria provided, single submitter. Criteria: ICSLVariantClassificationCriteria RUGD 01 April 2020. Collection method: clinical testing. Allele origin: unknown.
Comment: The SLC5A6 c.1403del (p.Phe468SerfsTer9) variant causes a shift in the protein reading frame that is predicted to result in premature termination of the protein. Loss of normal protein function through either protein truncation or nonsense-mediated mRNA decay is expected. This variant is not observed in version 2.1.1 or version 3.1.2 of the Genome Aggregation Database. Based on the available evidence, the c.1403del (p.Phe468SerfsTer9) variant is classified as likely pathogenic for SLC5A6-related multivitamin-dependent neurometabolic disorder.

NM_021095.4(SLC5A6):c.1403del (p.Phe468fs)

Gene: SLC5A6 (solute carrier family 5 member 6; minus strand). Cytogenetic location: 2p23.3.
Variant type: Deletion.
Coding change: c.1403del on transcript NM_021095.4 (MANE Select); coding-DNA position 1403, one base deleted (T; older notation c.1403delT).
Protein change: p.Phe468fs; shifts the reading frame from phenylalanine 468.
Molecular consequence: frameshift variant. On other transcripts: non-coding transcript variant (1).
Genome position (GRCh38, 1-based): chr2:27,201,807, A deleted on the plus strand (T on the coding strand, the reverse complement: SLC5A6 is on the minus strand); the first of 2 consecutive A bases (chr2:27,201,807-27,201,808); deleting either gives the same sequence. VCF-style (leftmost placement, unchanged base first): chr2-27201806-GA-G. GRCh37 (hg19) VCF-style: chr2-27424674-GA-G.
Other names: short protein forms F468fs.
Identifiers: ClinVar variation 2627917 (VCV002627917.1), dbSNP rs2466022549, ClinGen allele CA2586963975.
Genomic context (GRCh38, chr2:27,201,806, plus strand): 5'-AGAGGGAGAGGGTGGCATGCTGGAGCCCATGCTGGTCACGATGCTCCCGATGCCAATCCA[GA>G]AGGCCATGACGAGCCCAGCCAACAGGCCCACAACAGCACCCTGCCGAGACACAGTGCAGG-3'